The following is an entry in ClinVar:

ClinVar aggregate classification (germline): Likely benign. Review status: criteria provided, multiple submitters, no conflicts (2 of 4 stars). 2 submissions from 2 submitters: Likely benign (2). Last evaluated 2018-06-19.

Allele frequency attached by ClinVar (database versions not stated): gnomAD exomes 0.00048; ExAC 0.02605; 1000 Genomes Project 0.17851; gnomAD 0.01540.

Submissions (2):

GeneDx
Classification: Likely benign. Last evaluated: 2018-06-19. Review status: criteria provided, single submitter. Criteria: GeneDx Variant Classification (06012015). Collection method: clinical testing. Allele origin: germline. Affected: yes.
Comment: This variant is considered likely benign or benign based on one or more of the following criteria: it is a conservative change, it occurs at a poorly conserved position in the protein, it is predicted to be benign by multiple in silico algorithms, and/or has population frequency not consistent with disease.

Breakthrough Genomics
Classification: Likely benign. Review status: criteria provided, single submitter. Criteria: ACMG Guidelines, 2015. Collection method: not provided. Allele origin: germline. Inheritance: Autosomal recessive inheritance. Affected: yes.

NM_173660.5(DOK7):c.332-38G>A

Gene: DOK7 (docking protein 7; plus strand). Cytogenetic location: 4p16.3.
Variant type: single nucleotide variant.
Coding change: c.332-38G>A on transcript NM_173660.5 (MANE Select); 38 bases into the intron before coding-DNA position 332, G replaced by A.
Molecular consequence: intron variant.
Genome position (GRCh38, 1-based): chr4:3,476,304, G>A. VCF-style: chr4-3476304-G-A. GRCh37 (hg19) VCF-style: chr4-3478031-G-A.
Other names: c.332-38G>A (NM_001301071.2, NM_001164673.2); c.101-9235G>A (NM_001363811.2).
Identifiers: ClinVar variation 676823 (VCV000676823.2), dbSNP rs115931214, ClinGen allele CA2828961.